The following is an entry in ClinVar:

NM_001374828.1(ARID1B):c.1987-10T>G

Gene: ARID1B (AT-rich interaction domain 1B; plus strand). Cytogenetic location: 6q25.3.
Variant type: single nucleotide variant.
Coding change: c.1987-10T>G on transcript NM_001374828.1 (MANE Select); 10 bases into the intron before coding-DNA position 1987, T replaced by G.
Molecular consequence: intron variant.
Genome position (GRCh38, 1-based): chr6:156,901,366, T>G. VCF-style: chr6-156901366-T-G. GRCh37 (hg19) VCF-style: chr6-157222500-T-G.
Other names: c.1987-10T>G (NM_017519.3); c.2026-10T>G (NM_001371656.1, NM_001374820.1); c.1777-10T>G (NM_020732.3).
Identifiers: ClinVar variation 931192 (VCV000931192.4), dbSNP rs1276255111, ClinGen allele CA571907258.
Genomic context (GRCh38, chr6:156,901,366, plus strand): 5'-GAAACCATATTTGATTTCATTTAATTGCACATTTTGACTTTCTCATTTGCTTTGCTTGAC[T>G]TTTTGACAGATGCCACCTCAGTATGGACAGCAAGGTGTGAGTGGTTACTGCCAGCAGGGC-3'

ClinVar aggregate classification (germline): Conflicting classifications of pathogenicity. Review status: criteria provided, conflicting classifications (1 of 4 stars). 2 submissions from 2 submitters: Uncertain significance (1); Likely benign (1). Last evaluated 2023-12-08.

Conditions:
Coffin-Siris syndrome 1 (CSS1). Also called: Mental retardation, autosomal dominant 12; ARID1B-Related Coffin-Siris Syndrome. Identifiers: Orphanet 1465, MedGen C3281201, MONDO:0007617, OMIM 135900. Disease mechanism: gain of function.

Allele frequency attached by ClinVar (database versions not stated): TOPMed below 0.00001; gnomAD exomes 0.00001.
gnomAD v4.1: 15 of 1,614,160 alleles (0.00093%); highest among the groups gnomAD compares: Non-Finnish European, 0.0013%; no homozygotes.

Submissions (2):

Women's Health and Genetics/Laboratory Corporation of America, LabCorp
Classification: Likely benign. Last evaluated: 2023-12-08. Review status: criteria provided, single submitter. Criteria: LabCorp Variant Classification Summary - May 2015. Collection method: clinical testing. Allele origin: germline.
Comment: Variant summary: ARID1B c.1987-10T>G alters a non-conserved nucleotide located at a position not widely known to affect splicing. Consensus agreement among computation tools predict no significant impact on normal splicing. However, these predictions have yet to be confirmed by functional studies. The variant allele was found at a frequency of 8e-06 in 251380 control chromosomes. The available data on variant occurrences in the general population are insufficient to allow any conclusion about variant significance. To our knowledge, no occurrence of c.1987-10T>G in individuals affected with Coffin-Siris Syndrome 1 and no experimental evidence demonstrating its impact on protein function have been reported. One submitter has cited clinical-significance assessments for this variant to ClinVar after 2014 and has classified the variant as uncertain significance. Based on the evidence outlined above, the variant was classified as likely benign.

Centre for Mendelian Genomics, University Medical Centre Ljubljana
Classification: Uncertain significance for Coffin-Siris syndrome 1. Last evaluated: 2020-01-15. Review status: criteria provided, single submitter. Criteria: ACMG Guidelines, 2015. Collection method: clinical testing. Allele origin: unknown. Affected: yes.
Comment: This variant was classified as: Uncertain significance. The available evidence on this variant's pathogenicity is insufficient or conflicting. The following ACMG criteria were applied in classifying this variant: No criteria apply.